The following is an entry in ClinVar:

NM_004370.6(COL12A1):c.2086T>C (p.Leu696=)

Gene: COL12A1 (collagen type XII alpha 1 chain; minus strand). Cytogenetic location: 6q13.
Variant type: single nucleotide variant.
Coding change: c.2086T>C on transcript NM_004370.6 (MANE Select); coding-DNA position 2086, T replaced by C.
Protein change: p.Leu696=; no amino-acid change (leucine 696 retained).
Molecular consequence: synonymous variant. On other transcripts: intron variant (1).
Genome position (GRCh38, 1-based): chr6:75,181,017, A>G on the plus strand (T>C on the coding strand, the complement: COL12A1 is on the minus strand). VCF-style: chr6-75181017-A-G. GRCh37 (hg19) VCF-style: chr6-75890733-A-G.
Other names: p.Leu696=; c.73+21703T>C (NM_080645.3).
Identifiers: ClinVar variation 259324 (VCV000259324.20), dbSNP rs116691242, ClinGen allele CA3894070.

ClinVar aggregate classification (germline): Benign/Likely benign. Review status: criteria provided, multiple submitters, no conflicts (2 of 4 stars). 5 submissions from 5 submitters: Benign (4); Likely benign (1). Last evaluated 2026-02-02.

Conditions:
Ullrich congenital muscular dystrophy 2 (UCMD2). Identifiers: Orphanet 75840, MedGen C4225314, MONDO:0014654, OMIM 616470.
Bethlem myopathy 2 (BTHLM2). Identifiers: Orphanet 536516, Orphanet 610, MedGen C4225313, MONDO:0034022, OMIM 616471.

Allele frequency attached by ClinVar (database versions not stated): ESP Exome Variant Server 0.01472; TOPMed 0.01518; 1000 Genomes Project 0.01158; gnomAD exomes 0.00349 and 0.00129; ExAC 0.00422; 1000 Genomes Project 30x 0.01202; gnomAD 0.01318 and 0.01422.
gnomAD v4.1: 3,999 of 1,614,050 alleles (0.25%); highest among the groups gnomAD compares: African/African-American, 4.6%; 88 homozygotes.

Submissions (5):

Labcorp Genetics (formerly Invitae), Labcorp
Classification: Benign for Bethlem myopathy 2; Ullrich congenital muscular dystrophy 2. Last evaluated: 2026-02-02. Review status: criteria provided, single submitter. Criteria: Invitae Variant Classification Sherloc (09022015). Collection method: clinical testing. Allele origin: germline.

Women's Health and Genetics/Laboratory Corporation of America, LabCorp
Classification: Likely benign. Last evaluated: 2026-01-22. Review status: criteria provided, single submitter. Criteria: LabCorp Variant Classification Summary - May 2015. Collection method: clinical testing. Allele origin: germline.

Mayo Clinic Laboratories, Mayo Clinic
Classification: Benign. Last evaluated: 2023-06-08. Review status: criteria provided, single submitter. Criteria: ACMG Guidelines, 2015. Collection method: clinical testing. Allele origin: germline. Observed: 23 variant alleles.
Comment: BA1, BP4, BP7

GeneDx
Classification: Benign. Last evaluated: 2019-08-15. Review status: criteria provided, single submitter. Criteria: GeneDx Variant Classification Process June 2021. Collection method: clinical testing. Allele origin: germline. Affected: yes.

PreventionGenetics, part of Exact Sciences
Classification: Benign. Review status: criteria provided, single submitter. Criteria: ACMG Guidelines, 2015. Collection method: clinical testing. Allele origin: germline.